The following is an entry in ClinVar:

ClinVar aggregate classification (germline): Likely benign. Review status: criteria provided, single submitter (1 of 4 stars). 2 submissions from 2 submitters: Likely benign (1). 1 of the submissions does not count toward it. Last evaluated 2023-11-15.

Conditions:
TNNI3K-related disorder. Also called: TNNI3K-related condition.

Allele frequency attached by ClinVar (database versions not stated): gnomAD exomes 0.00001; TOPMed 0.00001; ExAC 0.00002; gnomAD 0.00002.
gnomAD v4.1: 11 of 1,606,054 alleles (0.00068%); highest among the groups gnomAD compares: Non-Finnish European, 0.00093%; no homozygotes.

Submissions (2):

Labcorp Genetics (formerly Invitae), Labcorp
Classification: Likely benign. Last evaluated: 2023-11-15. Review status: criteria provided, single submitter. Criteria: Invitae Variant Classification Sherloc (09022015). Collection method: clinical testing. Allele origin: germline.

PreventionGenetics, part of Exact Sciences
Classification: Likely benign for TNNI3K-related condition. Last evaluated: 2024-05-14. Review status: no assertion criteria provided. Collection method: clinical testing. Allele origin: germline. Not counted in ClinVar's aggregate classification.
Comment: This variant is classified as likely benign based on ACMG/AMP sequence variant interpretation guidelines (Richards et al. 2015 PMID: 25741868, with internal and published modifications).

NM_015978.3(TNNI3K):c.1659G>A (p.Glu553=)

Genes: FPGT-TNNI3K (FPGT-TNNI3K readthrough; plus strand), TNNI3K (TNNI3 interacting kinase; plus strand). Cytogenetic location: 1p31.1.
Variant type: single nucleotide variant.
Coding change: c.1659G>A on transcript NM_015978.3 (MANE Select); coding-DNA position 1659, G replaced by A.
Protein change: p.Glu553=; no amino-acid change (glutamic acid 553 retained).
Molecular consequence: synonymous variant.
Genome position (GRCh38, 1-based): chr1:74,369,577, G>A. VCF-style: chr1-74369577-G-A. GRCh37 (hg19) VCF-style: chr1-74835261-G-A.
Other names: c.1962G>A, p.Glu654= (NM_001112808.3, NM_001199327.2); c.1659G>A (NM_015978.2).
Identifiers: ClinVar variation 2990383 (VCV002990383.4), dbSNP rs766202822, ClinGen allele CA909349.